The following is an entry in ClinVar:

NM_015072.5(TTLL5):c.3536G>A (p.Ser1179Asn)

Gene: TTLL5 (tubulin tyrosine ligase like 5; plus strand). Cytogenetic location: 14q24.3.
Variant type: single nucleotide variant.
Coding change: c.3536G>A on transcript NM_015072.5 (MANE Select); coding-DNA position 3536, G replaced by A.
Protein change: p.Ser1179Asn; replaces serine 1179 with asparagine.
Molecular consequence: missense variant.
Genome position (GRCh38, 1-based): chr14:75,882,698, G>A. VCF-style: chr14-75882698-G-A. GRCh37 (hg19) VCF-style: chr14-76349041-G-A.
Other names: short protein forms S1179N.
Identifiers: ClinVar variation 2103287 (VCV002103287.4), dbSNP rs779860280, ClinGen allele CA7280074.
Genomic context (GRCh38, chr14:75,882,698, plus strand): 5'-TGTGAAGGTGATGTCCATCGATCATTTTTTTCCTTTTTTTTTTGTAGGCAATCTTTGGCA[G>A]CCAGACACTACCTAACTCCAATTTATGGACAATGAATAATGGTGCAGGTTGTAGAATTTC-3'
Protein context (NP_055887.3, residues 1169-1189): SRARHQAIFG[Ser1179Asn]QTLPNSNLWT

ClinVar aggregate classification (germline): Uncertain significance (1 of 4 stars; one submission).

Allele frequency attached by ClinVar (database versions not stated): ExAC 0.00001.

Submission:

Labcorp Genetics (formerly Invitae), Labcorp
Classification: Uncertain significance. Last evaluated: 2023-07-17. Review status: criteria provided, single submitter. Criteria: Invitae Variant Classification Sherloc (09022015). Collection method: clinical testing. Allele origin: germline.
Comment: This sequence change replaces serine, which is neutral and polar, with asparagine, which is neutral and polar, at codon 1179 of the TTLL5 protein (p.Ser1179Asn). In summary, the available evidence is currently insufficient to determine the role of this variant in disease. Therefore, it has been classified as a Variant of Uncertain Significance. Advanced modeling of protein sequence and biophysical properties (such as structural, functional, and spatial information, amino acid conservation, physicochemical variation, residue mobility, and thermodynamic stability) performed at Invitae indicates that this missense variant is not expected to disrupt TTLL5 protein function. ClinVar contains an entry for this variant (Variation ID: 2103287). This variant has not been reported in the literature in individuals affected with TTLL5-related conditions. This variant is present in population databases (rs779860280, gnomAD 0.006%).